The following is an entry in ClinVar:

NM_001039591.3(USP9X):c.5264A>G (p.Glu1755Gly)

Gene: USP9X (ubiquitin specific peptidase 9 X-linked; plus strand). Cytogenetic location: Xp11.4.
Variant type: single nucleotide variant.
Coding change: c.5264A>G on transcript NM_001039591.3 (MANE Select); coding-DNA position 5264, A replaced by G.
Protein change: p.Glu1755Gly; replaces glutamic acid 1755 with glycine.
Molecular consequence: missense variant.
Genome position (GRCh38, 1-based): chrX:41,214,642, A>G. VCF-style: chrX-41214642-A-G. GRCh37 (hg19) VCF-style: chrX-41073895-A-G.
Other names: c.5264A>G, p.Glu1755Gly (NM_001039590.3); c.5279A>G, p.Glu1760Gly (NM_001410748.1, NM_001410749.1); short protein forms E1760G, E1755G.
Identifiers: ClinVar variation 3979030 (VCV003979030.1).

ClinVar aggregate classification (germline): Uncertain significance (1 of 4 stars; one submission).

Conditions:
Inborn genetic diseases. Identifiers: MedGen C0950123, MeSH D030342.

Submission:

Ambry Genetics
Classification: Uncertain significance for Inborn genetic diseases. Last evaluated: 2025-06-11. Review status: criteria provided, single submitter. Criteria: Ambry Variant Classification Scheme 2023. Collection method: clinical testing. Allele origin: germline.
Comment: The c.5264A>G (p.E1755G) alteration is located in exon 34 (coding exon 33) of the USP9X gene. This alteration results from an A to G substitution at nucleotide position 5264, causing the glutamic acid (E) at amino acid position 1755 to be replaced by a glycine (G). This variant was not reported in population-based cohorts in the Genome Aggregation Database (gnomAD). This amino acid position is highly conserved in available vertebrate species. This missense alteration is located in a region that has a low rate of benign missense variation (Lek, 2016; Firth, 2009). The in silico prediction for this alteration is inconclusive. Based on insufficient or conflicting evidence, the clinical significance of this alteration remains unclear.